The following is an entry in ClinVar:

NM_004044.7(ATIC):c.1234G>A (p.Glu412Lys)

Gene: ATIC (5-aminoimidazole-4-carboxamide ribonucleotide formyltransferase/IMP cyclohydrolase; plus strand). Cytogenetic location: 2q35.
Variant type: single nucleotide variant.
Coding change: c.1234G>A on transcript NM_004044.7 (MANE Select); coding-DNA position 1234, G replaced by A.
Protein change: p.Glu412Lys; replaces glutamic acid 412 with lysine.
Molecular consequence: missense variant.
Genome position (GRCh38, 1-based): chr2:215,344,785, G>A. VCF-style: chr2-215344785-G-A. GRCh37 (hg19) VCF-style: chr2-216209508-G-A.
Other names: short protein forms E412K.
Identifiers: ClinVar variation 376861 (VCV000376861.34), dbSNP rs141872658, ClinGen allele CA2093272.

ClinVar aggregate classification (germline): Benign/Likely benign. Review status: criteria provided, multiple submitters, no conflicts (2 of 4 stars). 3 submissions from 3 submitters: Benign (2); Likely benign (1). Last evaluated 2025-07-27.

Allele frequency attached by ClinVar (database versions not stated): gnomAD exomes 0.00029 and 0.00089; ExAC 0.00109; gnomAD 0.00338 and 0.00364; ESP Exome Variant Server 0.00354; TOPMed 0.00355; 1000 Genomes Project 30x 0.00375; 1000 Genomes Project 0.00379.
gnomAD v4.1: 954 of 1,613,988 alleles (0.059%); highest among the groups gnomAD compares: African/African-American, 1.1%; 5 homozygotes.

Submissions (3):

Labcorp Genetics (formerly Invitae), Labcorp
Classification: Benign. Last evaluated: 2025-07-27. Review status: criteria provided, single submitter. Criteria: Invitae Variant Classification Sherloc (09022015). Collection method: clinical testing. Allele origin: germline.

CeGaT Center for Human Genetics Tuebingen
Classification: Benign. Last evaluated: 2023-09-01. Review status: criteria provided, single submitter. Criteria: CeGaT Center For Human Genetics Tuebingen Variant Classification Criteria Version 2. Collection method: clinical testing. Allele origin: germline. Affected: yes. Observed: 1 variant allele.
Comment: ATIC: BP4, BS1, BS2

Center for Pediatric Genomic Medicine, Children's Mercy Hospital and Clinics
Classification: Likely benign. Last evaluated: 2016-12-28. Review status: criteria provided, single submitter. Criteria: ACMG Guidelines, 2015. Collection method: clinical testing. Allele origin: germline.
ClinVar note: Converted during submission from Likely Benign to Likely benign.